The following is an entry in ClinVar:

NM_024411.5(PDYN):c.40A>G (p.Met14Val)

Genes: PDYN (prodynorphin; minus strand), PDYN-AS1 (PDYN antisense RNA 1; plus strand). Cytogenetic location: 20p13.
Variant type: single nucleotide variant.
Coding change: c.40A>G on transcript NM_024411.5 (MANE Select); coding-DNA position 40, A replaced by G.
Protein change: p.Met14Val; replaces methionine 14 with valine.
Molecular consequence: missense variant.
Genome position (GRCh38, 1-based): chr20:1,983,045, T>C on the plus strand (A>G on the coding strand, the complement: PDYN is on the minus strand). VCF-style: chr20-1983045-T-C. GRCh37 (hg19) VCF-style: chr20-1963691-T-C.
Other names: c.40A>G, p.Met14Val (NM_001190892.1, NM_001190898.3, NM_001190899.2 and 1 more transcripts); short protein forms M14V.
Identifiers: ClinVar variation 995192 (VCV000995192.10), dbSNP rs78675761, ClinGen allele CA9730398.

ClinVar aggregate classification (germline): Benign. Review status: criteria provided, multiple submitters, no conflicts (2 of 4 stars). 2 submissions from 2 submitters: Benign (2). Last evaluated 2025-12-19.

Allele frequency attached by ClinVar (database versions not stated): gnomAD exomes 0.00010 and 0.00029; ExAC 0.00034; gnomAD 0.00103 and 0.00108; 1000 Genomes Project 30x 0.00109; TOPMed 0.00111; 1000 Genomes Project 0.00120; ESP Exome Variant Server 0.00169.

Submissions (2):

Labcorp Genetics (formerly Invitae), Labcorp
Classification: Benign. Last evaluated: 2025-12-19. Review status: criteria provided, single submitter. Criteria: Invitae Variant Classification Sherloc (09022015). Collection method: clinical testing. Allele origin: germline.

Athena Diagnostics
Classification: Benign. Last evaluated: 2025-06-12. Review status: criteria provided, single submitter. Criteria: Athena Diagnostics Criteria. Collection method: clinical testing. Allele origin: unknown.
Comment: The frequency of this variant in the general population is higher than would generally be expected for pathogenic variants in this gene. Computational tools predict this amino acid change may be benign. This variant has been seen where an alternate explanation for disease was also identified.